The following is an entry in ClinVar:

NM_001256627.2(BRSK2):c.1368G>A (p.Pro456=)

Gene: BRSK2 (BR serine/threonine kinase 2; plus strand). Cytogenetic location: 11p15.5.
Variant type: single nucleotide variant.
Coding change: c.1368G>A on transcript NM_001256627.2 (MANE Select); coding-DNA position 1368, G replaced by A.
Protein change: p.Pro456=; no amino-acid change (proline 456 retained).
Molecular consequence: synonymous variant. On other transcripts: non-coding transcript variant (1).
Genome position (GRCh38, 1-based): chr11:1,450,667, G>A. VCF-style: chr11-1450667-G-A. GRCh37 (hg19) VCF-style: chr11-1471897-G-A.
Other names: c.1368G>A, p.Pro456= (NM_001256629.2, NM_003957.4); c.1506G>A, p.Pro502= (NM_001256630.1); c.1188G>A, p.Pro396= (NM_001282218.2); c.1368G>A (NM_003957.2).
Identifiers: ClinVar variation 3053156 (VCV003053156.3), dbSNP rs373710927, ClinGen allele CA5811027.
Genomic context (GRCh38, chr11:1,450,667, plus strand): 5'-AAGGGGCAGTCCCCTCCCCACCCCCAAGGGGACACCTGTCCACACGCCAAAGGAGAGCCC[G>A]GCTGGCACGCCCAACCCCACGCCCCCGTCCAGCCCCAGCGTCGGAGGGGTGCCCTGGAGG-3'
Protein context (NP_001243556.1, residues 446-466): GTPVHTPKES[Pro456=]AGTPNPTPPS

ClinVar aggregate classification (germline): Likely benign. Review status: criteria provided, single submitter (1 of 4 stars). 2 submissions from 2 submitters: Likely benign (1). 1 of the submissions does not count toward it. Last evaluated 2025-02-12.

Conditions:
Inborn genetic diseases. Identifiers: MedGen C0950123, MeSH D030342.
BRSK2-related disorder. Also called: BRSK2-related condition; BRSK2-Related Disorders.

Allele frequency attached by ClinVar (database versions not stated): ExAC 0.00015; ESP Exome Variant Server 0.00025; gnomAD 0.00036; TOPMed 0.00037; 1000 Genomes Project 0.00040; 1000 Genomes Project 30x 0.00062.
gnomAD v4.1: 331 of 1,609,242 alleles (0.021%); highest among the groups gnomAD compares: African/African-American, 0.12%; 1 homozygote.

Submissions (2):

Ambry Genetics
Classification: Likely benign for Inborn genetic diseases. Last evaluated: 2025-02-12. Review status: criteria provided, single submitter. Criteria: Ambry Variant Classification Scheme 2023. Collection method: clinical testing. Allele origin: germline.

PreventionGenetics, part of Exact Sciences
Classification: Likely benign for BRSK2-related condition. Last evaluated: 2019-08-28. Review status: no assertion criteria provided. Collection method: clinical testing. Allele origin: germline. Not counted in ClinVar's aggregate classification.
Comment: This variant is classified as likely benign based on ACMG/AMP sequence variant interpretation guidelines (Richards et al. 2015 PMID: 25741868, with internal and published modifications).